The following is an entry in ClinVar:

NM_001351132.2(PEX5):c.846G>A (p.Glu282=)

Gene: PEX5 (peroxisomal biogenesis factor 5; plus strand). Cytogenetic location: 12p13.31.
Variant type: single nucleotide variant.
Coding change: c.846G>A on transcript NM_001351132.2 (MANE Select); coding-DNA position 846, G replaced by A.
Protein change: p.Glu282=; no amino-acid change (glutamic acid 282 retained).
Molecular consequence: synonymous variant.
Genome position (GRCh38, 1-based): chr12:7,202,704, G>A. VCF-style: chr12-7202704-G-A. GRCh37 (hg19) VCF-style: chr12-7355300-G-A.
Other names: c.846G>A, p.Glu282= (NM_000319.5, NM_001131025.2, NM_001131026.2 and 6 more transcripts); c.891G>A, p.Glu297= (NM_001131023.2); c.735G>A, p.Glu245= (NM_001131024.2, NM_001351124.3, NM_001351126.2 and 10 more transcripts); c.780G>A, p.Glu260= (NM_001351135.3, NM_001351138.2).
Identifiers: ClinVar variation 3645064 (VCV003645064.2).
Genomic context (GRCh38, chr12:7,202,704, plus strand): 5'-AAGACCAGTAAACACATCTGCCCTTGATATGGAGTTTGAACGAGCCAAGTCAGCTATAGA[G>A]GTGAGAGCAGATAGTGCAGGAGCAGACACCCCAAAAGAAAACACTCCTTGGAGTGAGTGG-3'
Protein context (NP_001338061.1, residues 272-292): MEFERAKSAI[Glu282=]SDVDFWDKLQ

ClinVar aggregate classification (germline): Uncertain significance (1 of 4 stars; one submission).

Conditions:
Peroxisome biogenesis disorder 2B (PBD2B). Identifiers: Orphanet 44, MedGen C3550234, MONDO:0008736, OMIM 202370.

gnomAD v4.1: 1 of 1,609,460 alleles (0.000062%); highest among the groups gnomAD compares: South Asian, 0.0011%; no homozygotes.

Submission:

Labcorp Genetics (formerly Invitae), Labcorp
Classification: Uncertain significance for Peroxisome biogenesis disorder 2B. Last evaluated: 2024-09-06. Review status: criteria provided, single submitter. Criteria: Invitae Variant Classification Sherloc (09022015). Collection method: clinical testing. Allele origin: germline.
Comment: This sequence change affects codon 282 of the PEX5 mRNA. It is a 'silent' change, meaning that it does not change the encoded amino acid sequence of the PEX5 protein. This variant also falls at the last nucleotide of exon 9, which is part of the consensus splice site for this exon. This variant is not present in population databases (gnomAD no frequency). This variant has not been reported in the literature in individuals affected with PEX5-related conditions. Variants that disrupt the consensus splice site are a relatively common cause of aberrant splicing (PMID: 17576681, 9536098). Algorithms developed to predict the effect of sequence changes on RNA splicing suggest that this variant may disrupt the consensus splice site. In summary, the available evidence is currently insufficient to determine the role of this variant in disease. Therefore, it has been classified as a Variant of Uncertain Significance.

Literature cited by the submitters: PubMed 17576681; PubMed 9536098.